The following is an entry in ClinVar:

ClinVar aggregate classification (germline): Uncertain significance. Review status: criteria provided, multiple submitters, no conflicts (2 of 4 stars). 7 submissions from 7 submitters: Uncertain significance (6). 1 of the submissions does not count toward it. Last evaluated 2024-12-04.

Conditions:
Autosomal recessive limb-girdle muscular dystrophy type 2I. Also called: MUSCULAR DYSTROPHY-DYSTROGLYCANOPATHY (LIMB-GIRDLE), TYPE C, 5; MUSCULAR DYSTROPHY, LIMB-GIRDLE, TYPE 2I; MUSCULAR DYSTROPHY-DYSTROGLYCANOPATHY, LIMB-GIRDLE, FRKP-RELATED. Identifiers: Orphanet 34515, MedGen C1846672, MONDO:0011787, OMIM 607155.
Cardiovascular phenotype. Identifiers: MedGen CN230736.
Walker-Warburg congenital muscular dystrophy. Also called: Muscular dystrophy-dystroglycanopathy, type A; Walker-Warburg syndrome. Identifiers: Orphanet 899, MedGen C0265221, MONDO:0000171.
Muscular dystrophy-dystroglycanopathy (congenital with brain and eye anomalies), type A1 (MDDGA1). Also called: COD-MD SYNDROME; Muscular dystrophy-dystroglycanopathy (congenital with brain and eye anomalies), type A, 1; WALKER-WARBURG SYNDROME OR MUSCLE-EYE-BRAIN DISEASE, POMT1-RELATED; Hydrocephalus, agyria and retinal dysplasia; Hard +/- E syndrome; Warburg syndrome. Identifiers: Orphanet 588, Orphanet 899, MedGen C4284790, MONDO:0009364, OMIM 236670.
Muscular dystrophy-dystroglycanopathy type B5 (MDDGB5). Also called: MUSCULAR DYSTROPHY, CONGENITAL, 1C; MUSCULAR DYSTROPHY, CONGENITAL, FKRP-RELATED; MUSCULAR DYSTROPHY-DYSTROGLYCANOPATHY (CONGENITAL WITH OR WITHOUT IMPAIRED INTELLECTUAL DEVELOPMENT), TYPE B, 5. Identifiers: MedGen C1847759, MONDO:0011688, OMIM 606612.
Muscular dystrophy-dystroglycanopathy (congenital with brain and eye anomalies), type A5. Also called: MUSCULAR DYSTROPHY-DYSTROGLYCANOPATHY (CONGENITAL WITH BRAIN AND EYE ANOMALIES), TYPE A, 5; WALKER-WARBURG SYNDROME OR MUSCLE-EYE-BRAIN DISEASE, FKRP-RELATED. Identifiers: Orphanet 588, Orphanet 899, MedGen C3150413, MONDO:0013157, OMIM 613153.

Allele frequency attached by ClinVar (database versions not stated): ExAC 0.00004; gnomAD 0.00005 and 0.00006; TOPMed 0.00006.
gnomAD v4.1: 28 of 1,568,752 alleles (0.0018%); highest among the groups gnomAD compares: African/African-American, 0.0095%; no homozygotes.

Submissions (7):

Ambry Genetics
Classification: Uncertain significance for Cardiovascular phenotype. Last evaluated: 2024-12-04. Review status: criteria provided, single submitter. Criteria: Ambry Variant Classification Scheme 2023. Collection method: clinical testing. Allele origin: germline.

Labcorp Genetics (formerly Invitae), Labcorp
Classification: Uncertain significance for Walker-Warburg congenital muscular dystrophy. Last evaluated: 2022-08-23. Review status: criteria provided, single submitter. Criteria: Invitae Variant Classification Sherloc (09022015). Collection method: clinical testing. Allele origin: germline.
Comment: This sequence change replaces alanine, which is neutral and non-polar, with valine, which is neutral and non-polar, at codon 188 of the FKRP protein (p.Ala188Val). The frequency data for this variant in the population databases is considered unreliable, as metrics indicate poor data quality at this position in the gnomAD database. This variant has not been reported in the literature in individuals affected with FKRP-related conditions. ClinVar contains an entry for this variant (Variation ID: 426570). Algorithms developed to predict the effect of missense changes on protein structure and function output the following: SIFT: "Tolerated"; PolyPhen-2: "Benign"; Align-GVGD: "Class C0". The valine amino acid residue is found in multiple mammalian species, which suggests that this missense change does not adversely affect protein function. In summary, the available evidence is currently insufficient to determine the role of this variant in disease. Therefore, it has been classified as a Variant of Uncertain Significance.

Fulgent Genetics
Classification: Uncertain significance for Muscular dystrophy-dystroglycanopathy (congenital with brain and eye anomalies), type A1; Muscular dystrophy-dystroglycanopathy type B5; Autosomal recessive limb-girdle muscular dystrophy type 2I; Muscular dystrophy-dystroglycanopathy (congenital with brain and eye anomalies), type A5. Last evaluated: 2021-10-14. Review status: criteria provided, single submitter. Criteria: ACMG Guidelines, 2015. Collection method: clinical testing. Allele origin: unknown.

Revvity Omics, Revvity
Classification: Uncertain significance. Last evaluated: 2020-02-24. Review status: criteria provided, single submitter. Criteria: ACMG Guidelines, 2015. Collection method: clinical testing. Allele origin: germline.

GeneDx
Classification: Uncertain significance. Last evaluated: 2017-04-12. Review status: criteria provided, single submitter. Criteria: GeneDx Variant Classification (06012015). Collection method: clinical testing. Allele origin: germline. Affected: yes.
Comment: A variant of uncertain significance has been identified in the FKRP gene. The A188V variant has not been published as pathogenic or been reported as benign to our knowledge. This variant is not observed at a significant frequency in large population cohorts (Lek et al., 2016; 1000 Genomes Consortium et al., 2015; Exome Variant Server). Nevertheless, the A188V variant is a conservative amino acid substitution, which is not likely to impact secondary protein structure as these residues share similar properties. Additionally, this substitution occurs at a position that is not conserved. Furthermore, in silico analysis predicts this variant likely does not alter the protein structure/function.

Genetic Services Laboratory, University of Chicago
Classification: Uncertain significance. Last evaluated: 2015-12-31. Review status: criteria provided, single submitter. Criteria: ACMG Guidelines, 2015. Collection method: clinical testing. Allele origin: germline. Affected: no.

Natera, Inc.
Classification: Uncertain significance for Limb-girdle muscular dystrophy type 2I. Last evaluated: 2020-12-01. Review status: no assertion criteria provided. Collection method: clinical testing. Allele origin: germline. Not counted in ClinVar's aggregate classification.

NM_024301.5(FKRP):c.563C>T (p.Ala188Val)

Gene: FKRP (fukutin related protein; plus strand). Cytogenetic location: 19q13.32.
Variant type: single nucleotide variant.
Coding change: c.563C>T on transcript NM_024301.5 (MANE Select); coding-DNA position 563, C replaced by T.
Protein change: p.Ala188Val; replaces alanine 188 with valine.
Molecular consequence: missense variant.
Genome position (GRCh38, 1-based): chr19:46,756,013, C>T. VCF-style: chr19-46756013-C-T. GRCh37 (hg19) VCF-style: chr19-47259270-C-T.
Other names: c.563C>T, p.Ala188Val (NM_001039885.3); short protein forms A188V.
Identifiers: ClinVar variation 426570 (VCV000426570.18), dbSNP rs768762059, ClinGen allele CA9532170.
Genomic context (GRCh38, chr19:46,756,013, plus strand): 5'-GCCTGGCCCTGAACGTCAGCCTGCGAGAGTGGACCGCCCGCTATGGCGCAGCCCCCGCCG[C>T]GCCCCGCTGCGACGCCCTGGACGGAGATGCTGTGGTGCTCCTGCGCGCCCGCGACCTCTT-3'
Protein context (NP_077277.1, residues 178-198): WTARYGAAPA[Ala188Val]PRCDALDGDA